The following is an entry in ClinVar:

NM_000138.5(FBN1):c.247C>T (p.Pro83Ser)

Gene: FBN1 (fibrillin 1; minus strand). Cytogenetic location: 15q21.1.
Variant type: single nucleotide variant.
Coding change: c.247C>T on transcript NM_000138.5 (MANE Select); coding-DNA position 247, C replaced by T.
Protein change: p.Pro83Ser; replaces proline 83 with serine.
Molecular consequence: missense variant.
Genome position (GRCh38, 1-based): chr15:48,613,010, G>A on the plus strand (C>T on the coding strand, the complement: FBN1 is on the minus strand). VCF-style: chr15-48613010-G-A. GRCh37 (hg19) VCF-style: chr15-48905207-G-A.
Other names: c.247C>T, p.Pro83Ser (NM_001406716.1, NM_001406717.1); short protein forms P83S.
Identifiers: ClinVar variation 2077981 (VCV002077981.4), dbSNP rs1257434757, ClinGen allele CA392448107.

ClinVar aggregate classification (germline): Uncertain significance (1 of 4 stars; one submission).

Conditions:
Familial thoracic aortic aneurysm and aortic dissection (TAAD). Also called: Thoracic aortic aneurysms and dissections. Identifiers: Orphanet 91387, MedGen C4707243, MONDO:0019625.
Marfan syndrome (MFS). Also called: MARFAN SYNDROME, TYPE I; Marfan syndrome type 1; Marfan's syndrome; Marfan syndrome, classic; FBN1-Related Marfan Syndrome. Identifiers: Orphanet 284963, Orphanet 558, MedGen C0024796, MONDO:0007947, OMIM 154700.

Allele frequency attached by ClinVar (database versions not stated): gnomAD exomes below 0.00001; TOPMed below 0.00001.

Submission:

Labcorp Genetics (formerly Invitae), Labcorp
Classification: Uncertain significance for Marfan syndrome; Familial thoracic aortic aneurysm and aortic dissection. Last evaluated: 2022-05-19. Review status: criteria provided, single submitter. Criteria: Invitae Variant Classification Sherloc (09022015). Collection method: clinical testing. Allele origin: germline.
Comment: This sequence change replaces proline, which is neutral and non-polar, with serine, which is neutral and polar, at codon 83 of the FBN1 protein (p.Pro83Ser). This variant is not present in population databases (gnomAD no frequency). This variant has not been reported in the literature in individuals affected with FBN1-related conditions. Algorithms developed to predict the effect of missense changes on protein structure and function are either unavailable or do not agree on the potential impact of this missense change (SIFT: "Deleterious"; PolyPhen-2: "Probably Damaging"; Align-GVGD: "Class C0"). In summary, the available evidence is currently insufficient to determine the role of this variant in disease. Therefore, it has been classified as a Variant of Uncertain Significance.